The following is an entry in ClinVar:

ClinVar aggregate classification (germline): Pathogenic (1 of 4 stars; one submission).

Conditions:
Early-infantile DEE. Also called: Early infantile epileptic encephalopathy; Early infantile epileptic encephalopathy with suppression bursts; Ohtahara syndrome. Identifiers: Orphanet 1934, MedGen C0393706, MONDO:0800491.

Submission:

Labcorp Genetics (formerly Invitae), Labcorp
Classification: Pathogenic for Early-infantile DEE. Last evaluated: 2023-02-16. Review status: criteria provided, single submitter. Criteria: Invitae Variant Classification Sherloc (09022015). Collection method: clinical testing. Allele origin: germline.
Comment: This variant is not present in population databases (gnomAD no frequency). This sequence change creates a premature translational stop signal (p.Ile85Asnfs*3) in the SCN1A gene. It is expected to result in an absent or disrupted protein product. Loss-of-function variants in SCN1A are known to be pathogenic (PMID: 17347258, 18930999). This variant has not been reported in the literature in individuals affected with SCN1A-related conditions. For these reasons, this variant has been classified as Pathogenic.

Literature cited by the submitters: PubMed 17347258; PubMed 18930999.

NM_001165963.4(SCN1A):c.253dup (p.Ile85fs)

Gene: SCN1A (sodium voltage-gated channel alpha subunit 1; minus strand). Cytogenetic location: 2q24.3.
Variant type: Duplication.
Coding change: c.253dup on transcript NM_001165963.4 (MANE Select); coding-DNA position 253, one base duplicated (A; older notation c.253dupA).
Protein change: p.Ile85fs; shifts the reading frame from isoleucine 85.
Molecular consequence: frameshift variant. On other transcripts: 5 prime UTR variant (1), non-coding transcript variant (1).
Genome position (GRCh38, 1-based): chr2:166,073,369, T duplicated on the plus strand (A on the coding strand, the reverse complement: SCN1A is on the minus strand). VCF-style (leftmost placement, unchanged base first): chr2-166073368-A-AT. GRCh37 (hg19) VCF-style: chr2-166929878-A-AT.
Other names: c.253dup, p.Ile85fs (NM_001353958.2, NM_001353960.2, NM_006920.6 and 10 more transcripts); c.-2173dup (NM_001353961.2); short protein forms I85fs.
Identifiers: ClinVar variation 2816420 (VCV002816420.3), dbSNP rs2468363579, ClinGen allele CA2739271616.